The following is an entry in ClinVar:

NM_001374736.1(DST):c.21001G>C (p.Glu7001Gln)

Gene: DST (dystonin; minus strand). Cytogenetic location: 6p12.1.
Variant type: single nucleotide variant.
Coding change: c.21001G>C on transcript NM_001374736.1 (MANE Select); coding-DNA position 21001, G replaced by C.
Protein change: p.Glu7001Gln; replaces glutamic acid 7001 with glutamine.
Molecular consequence: missense variant.
Genome position (GRCh38, 1-based): chr6:56,487,150, C>G on the plus strand (G>C on the coding strand, the complement: DST is on the minus strand). VCF-style: chr6-56487150-C-G. GRCh37 (hg19) VCF-style: chr6-56351948-C-G.
Other names: c.14644G>C, p.Glu4882Gln (NM_001144769.5); c.14230G>C, p.Glu4744Gln (NM_001144770.2); c.21001G>C, p.Glu7001Gln (NM_001374722.1); c.20041G>C, p.Glu6681Gln (NM_001374729.1); c.13783G>C, p.Glu4595Gln (NM_001374730.1); c.21028G>C, p.Glu7010Gln (NM_001374734.1); c.13132G>C, p.Glu4378Gln (NM_015548.5); c.14110G>C, p.Glu4704Gln (NM_183380.4); short protein forms E4704Q, E4882Q, E4378Q, E7010Q, E4595Q, E4744Q, E7001Q, E6681Q.
Identifiers: ClinVar variation 972537 (VCV000972537.8), dbSNP rs555055845, ClinGen allele CA364512976.

ClinVar aggregate classification (germline): Uncertain significance (1 of 4 stars; one submission).

Conditions:
Epidermolysis bullosa simplex 3, localized or generalized intermediate, with BP230 deficiency (EBS3). Also called: Epidermolysis bullosa simplex due to BP230 deficiency; Epidermolysis bullosa simplex, autosomal recessive 2. Identifiers: Orphanet 412181, MedGen C3809470, MONDO:0014180, OMIM 615425.
Hereditary sensory and autonomic neuropathy type 6. Also called: Neuropathy, hereditary sensory and autonomic, type VI; HSAN VI. Identifiers: Orphanet 314381, MedGen C3539003, MONDO:0013839, OMIM 614653.

Submission:

Labcorp Genetics (formerly Invitae), Labcorp
Classification: Uncertain significance for Epidermolysis bullosa simplex 3, localized or generalized intermediate, with BP230 deficiency; Hereditary sensory and autonomic neuropathy type 6. Last evaluated: 2019-03-14. Review status: criteria provided, single submitter. Criteria: Invitae Variant Classification Sherloc (09022015). Collection method: clinical testing. Allele origin: germline.
Comment: In summary, the available evidence is currently insufficient to determine the role of this variant in disease. Therefore, it has been classified as a Variant of Uncertain Significance. Algorithms developed to predict the effect of missense changes on protein structure and function are either unavailable or do not agree on the potential impact of this missense change (SIFT: "Tolerated"; PolyPhen-2: "Not Available"; Align-GVGD: "Class C0"). This variant has not been reported in the literature in individuals with DST-related conditions. This variant is not present in population databases (ExAC no frequency). This sequence change replaces glutamine with glutamine at codon 4378 of the DST protein (p.Glu4378Gln). The glutamate residue is moderately conserved and there is a small physicochemical difference between glutamate and glutamine. The DST gene has multiple clinically relevant transcripts. The p.Glu4378Gln variant occurs in alternate transcript NM_015548.4, which corresponds to c.*128367G>C in NM_001723.5, the primary transcript listed in the Methods.